The following is an entry in ClinVar:

NM_005359.6(SMAD4):c.905-5T>C

Gene: SMAD4 (SMAD family member 4; plus strand). Cytogenetic location: 18q21.2.
Variant type: single nucleotide variant.
Coding change: c.905-5T>C on transcript NM_005359.6 (MANE Select); 5 bases into the intron before coding-DNA position 905, T replaced by C.
Molecular consequence: intron variant.
Genome position (GRCh38, 1-based): chr18:51,059,861, T>C. VCF-style: chr18-51059861-T-C. GRCh37 (hg19) VCF-style: chr18-48586231-T-C.
Identifiers: ClinVar variation 1554660 (VCV001554660.9), dbSNP rs2144433052, ClinGen allele CA2573155422.

ClinVar aggregate classification (germline): Likely benign. Review status: criteria provided, multiple submitters, no conflicts (2 of 4 stars). 2 submissions from 2 submitters: Likely benign (2). Last evaluated 2025-03-20.

Conditions:
Juvenile polyposis syndrome (JPS). Identifiers: Orphanet 2929, MedGen C0345893, MONDO:0017380, OMIM 174900.
Juvenile polyposis/hereditary hemorrhagic telangiectasia syndrome (JPHT). Also called: Juvenile Polyposis Syndrome / Hereditary Hemorrhagic Telangiectasia (JPS/HHT); JP/HHT SYNDROME; JUVENILE POLYPOSIS WITH HEREDITARY HEMORRHAGIC TELANGIECTASIA; POLYPOSIS, GENERALIZED JUVENILE, WITH PULMONARY ARTERIOVENOUS MALFORMATION; TELANGIECTASIA, HEREDITARY HEMORRHAGIC, WITH JUVENILE POLYPOSIS COLI. Identifiers: Orphanet 2929, MedGen C1832942, MONDO:0008278, OMIM 175050.

Submissions (2):

Myriad Genetics, Inc.
Classification: Likely benign for Juvenile polyposis/hereditary hemorrhagic telangiectasia syndrome. Last evaluated: 2025-03-20. Review status: criteria provided, single submitter. Criteria: Myriad Autosomal Dominant, Autosomal Recessive and X-Linked Classification Criteria (2023). Collection method: clinical testing. Allele origin: unknown.
Comment: This variant is considered likely benign. This variant is intronic and is not expected to impact mRNA splicing.

Labcorp Genetics (formerly Invitae), Labcorp
Classification: Likely benign for Juvenile polyposis syndrome. Last evaluated: 2021-08-27. Review status: criteria provided, single submitter. Criteria: Invitae Variant Classification Sherloc (09022015). Collection method: clinical testing. Allele origin: germline.